The following is an entry in ClinVar:

NM_005359.6(SMAD4):c.632C>T (p.Thr211Ile)

Gene: SMAD4 (SMAD family member 4; plus strand). Cytogenetic location: 18q21.2.
Variant type: single nucleotide variant.
Coding change: c.632C>T on transcript NM_005359.6 (MANE Select); coding-DNA position 632, C replaced by T.
Protein change: p.Thr211Ile; replaces threonine 211 with isoleucine.
Molecular consequence: missense variant. On other transcripts: non-coding transcript variant (2).
Genome position (GRCh38, 1-based): chr18:51,054,958, C>T. VCF-style: chr18-51054958-C-T. GRCh37 (hg19) VCF-style: chr18-48581328-C-T.
Other names: c.632C>T, p.Thr211Ile (NM_001407041.1, NM_001407042.1, NM_001407043.1); short protein forms T211I.
Identifiers: ClinVar variation 2871400 (VCV002871400.3), dbSNP rs1555685671, ClinGen allele CA402461233.

ClinVar aggregate classification (germline): Uncertain significance (1 of 4 stars; one submission).

Conditions:
Juvenile polyposis syndrome (JPS). Identifiers: Orphanet 2929, MedGen C0345893, MONDO:0017380, OMIM 174900.

Submission:

Labcorp Genetics (formerly Invitae), Labcorp
Classification: Uncertain significance for Juvenile polyposis syndrome. Last evaluated: 2023-01-28. Review status: criteria provided, single submitter. Criteria: Invitae Variant Classification Sherloc (09022015). Collection method: clinical testing. Allele origin: germline.
Comment: This sequence change replaces threonine, which is neutral and polar, with isoleucine, which is neutral and non-polar, at codon 211 of the SMAD4 protein (p.Thr211Ile). This variant is not present in population databases (gnomAD no frequency). This variant has not been reported in the literature in individuals affected with SMAD4-related conditions. Advanced modeling of protein sequence and biophysical properties (such as structural, functional, and spatial information, amino acid conservation, physicochemical variation, residue mobility, and thermodynamic stability) performed at Invitae indicates that this missense variant is not expected to disrupt SMAD4 protein function. In summary, the available evidence is currently insufficient to determine the role of this variant in disease. Therefore, it has been classified as a Variant of Uncertain Significance.